The following is an entry in ClinVar:

ClinVar aggregate classification (germline): Pathogenic (1 of 4 stars; one submission).

Conditions:
Inborn genetic diseases. Identifiers: MedGen C0950123, MeSH D030342.

Submission:

Ambry Genetics
Classification: Pathogenic for Inborn genetic diseases. Last evaluated: 2021-08-14. Review status: criteria provided, single submitter. Criteria: Ambry Variant Classification Scheme 2023. Collection method: clinical testing. Allele origin: germline.
Comment: The c.977C>G (p.S326*) alteration, located in exon 7 (coding exon 7) of the CIC gene, consists of a C to G substitution at nucleotide position 977. This changes the amino acid from a serine (S) to a stop codon at amino acid position 326. This alteration is expected to result in loss of function by premature protein truncation or nonsense-mediated mRNA decay. Based on the available evidence, this alteration is classified as pathogenic.

NM_001386298.1(CIC):c.3704C>G (p.Ser1235Ter)

Gene: CIC (capicua transcriptional repressor; plus strand). Cytogenetic location: 19q13.2.
Variant type: single nucleotide variant.
Coding change: c.3704C>G on transcript NM_001386298.1 (MANE Select); coding-DNA position 3704, C replaced by G.
Protein change: p.Ser1235Ter; replaces serine 1235 with a stop codon.
Molecular consequence: nonsense.
Genome position (GRCh38, 1-based): chr19:42,288,933, C>G. VCF-style: chr19-42288933-C-G. GRCh37 (hg19) VCF-style: chr19-42793085-C-G.
Other names: c.3704C>G, p.Ser1235Ter (NM_001304815.2, NM_001379480.1, NM_001379482.1 and 1 more transcripts); c.977C>G, p.Ser326Ter (NM_001379484.1, NM_001379485.1, NM_015125.5); short protein forms S326*, S1235*.
Identifiers: ClinVar variation 2233709 (VCV002233709.2), dbSNP rs2513875542, ClinGen allele CA406101546.